The following is an entry in ClinVar:

NM_006662.3(SRCAP):c.1712C>T (p.Pro571Leu)

Gene: SRCAP (Snf2 related CREBBP activator protein; plus strand). Cytogenetic location: 16p11.2.
Variant type: single nucleotide variant.
Coding change: c.1712C>T on transcript NM_006662.3 (MANE Select); coding-DNA position 1712, C replaced by T.
Protein change: p.Pro571Leu; replaces proline 571 with leucine.
Molecular consequence: missense variant.
Genome position (GRCh38, 1-based): chr16:30,712,054, C>T. VCF-style: chr16-30712054-C-T. GRCh37 (hg19) VCF-style: chr16-30723375-C-T.
Other names: short protein forms P571L.
Identifiers: ClinVar variation 1987356 (VCV001987356.4), dbSNP rs2052898210, ClinGen allele CA395605205.

ClinVar aggregate classification (germline): Uncertain significance (1 of 4 stars; one submission).

Allele frequency attached by ClinVar (database versions not stated): TOPMed below 0.00001; gnomAD 0.00001.
gnomAD v4.1: 1 of 1,613,882 alleles (0.000062%); highest among the groups gnomAD compares: Non-Finnish European, 0.000085%; no homozygotes.

Submission:

Labcorp Genetics (formerly Invitae), Labcorp
Classification: Uncertain significance. Last evaluated: 2022-07-28. Review status: criteria provided, single submitter. Criteria: Invitae Variant Classification Sherloc (09022015). Collection method: clinical testing. Allele origin: germline.
Comment: In summary, the available evidence is currently insufficient to determine the role of this variant in disease. Therefore, it has been classified as a Variant of Uncertain Significance. Algorithms developed to predict the effect of missense changes on protein structure and function are either unavailable or do not agree on the potential impact of this missense change (SIFT: "Deleterious"; PolyPhen-2: "Not Available"; Align-GVGD: "Class C35"). This variant has not been reported in the literature in individuals affected with SRCAP-related conditions. This variant is not present in population databases (gnomAD no frequency). This sequence change replaces proline, which is neutral and non-polar, with leucine, which is neutral and non-polar, at codon 571 of the SRCAP protein (p.Pro571Leu).